The following is an entry in ClinVar:

ClinVar aggregate classification (germline): Likely benign. Review status: reviewed by expert panel (3 of 4 stars). 2 submissions from 2 submitters: Likely benign (1). 1 of the submissions does not count toward it. Last evaluated 2017-06-29.

Conditions:
Hereditary cancer-predisposing syndrome. Also called: Hereditary neoplastic syndrome; Hereditary Cancer Syndrome; Neoplastic Syndromes, Hereditary; Tumor predisposition. Identifiers: Orphanet 140162, MedGen C0027672, MeSH D009386, MONDO:0015356.
Breast-ovarian cancer, familial, susceptibility to, 2 (BROVCA2). Also called: BRCA2 Hereditary Breast and Ovarian Cancer. Identifiers: Orphanet 145, MedGen C2675520, MONDO:0012933, OMIM 612555. Disease mechanism: loss of function.

Allele frequency attached by ClinVar (database versions not stated): gnomAD exomes below 0.00001; ExAC 0.00001.
gnomAD v4.1: 1 of 1,614,098 alleles (0.000062%); highest among the groups gnomAD compares: South Asian, 0.0011%; no homozygotes.

Submissions (2):

Evidence-based Network for the Interpretation of Germline Mutant Alleles (ENIGMA)
Classification: Likely benign for Breast-ovarian cancer, familial, susceptibility to, 2. Last evaluated: 2017-06-29. Review status: reviewed by expert panel. Criteria: ENIGMA BRCA1/2 Classification Criteria (2017-06-29). Collection method: curation. Allele origin: germline.
Comment: Synonymous substitution variant, with low bioinformatic likelihood to result in a splicing aberration (Splicing prior probability 0.02).

Ambry Genetics
Classification: Likely benign for Hereditary cancer-predisposing syndrome. Last evaluated: 2025-06-24. Review status: criteria provided, single submitter. Criteria: Ambry Variant Classification Scheme 2023. Collection method: clinical testing. Allele origin: germline. Not counted in ClinVar's aggregate classification.

NM_000059.4(BRCA2):c.9339T>C (p.Ile3113=)

Gene: BRCA2 (BRCA2 DNA repair associated; plus strand). Cytogenetic location: 13q13.1.
Variant type: single nucleotide variant.
Coding change: c.9339T>C on transcript NM_000059.4 (MANE Select); coding-DNA position 9339, T replaced by C.
Protein change: p.Ile3113=; no amino-acid change (isoleucine 3113 retained).
Molecular consequence: synonymous variant.
Genome position (GRCh38, 1-based): chr13:32,394,771, T>C. VCF-style: chr13-32394771-T-C. GRCh37 (hg19) VCF-style: chr13-32968908-T-C.
Identifiers: ClinVar variation 427511 (VCV000427511.4), dbSNP rs775952688, ClinGen allele CA6941378.